The following is an entry in ClinVar:

ClinVar aggregate classification (germline): Conflicting classifications of pathogenicity. Review status: criteria provided, conflicting classifications (1 of 4 stars). 4 submissions from 4 submitters: Uncertain significance (3); Likely benign (1). Last evaluated 2024-12-08.

Conditions:
Inborn genetic diseases. Identifiers: MedGen C0950123, MeSH D030342.

Allele frequency attached by ClinVar (database versions not stated): gnomAD 0.00001; TOPMed 0.00003; ExAC 0.00006.
gnomAD v4.1: 30 of 1,591,930 alleles (0.0019%); highest among the groups gnomAD compares: East Asian, 0.042%; no homozygotes.

Submissions (4):

Ambry Genetics
Classification: Uncertain significance for Inborn genetic diseases. Last evaluated: 2024-12-08. Review status: criteria provided, single submitter. Criteria: Ambry Variant Classification Scheme 2023. Collection method: clinical testing. Allele origin: germline.
Comment: The p.K940N variant (also known as c.2820G>T), located in coding exon 24 of the ANKRD26 gene, results from a G to T substitution at nucleotide position 2820. The lysine at codon 940 is replaced by asparagine, an amino acid with similar properties. This amino acid position is conserved. In addition, this alteration is predicted to be tolerated by in silico analysis. Based on the available evidence, the clinical significance of this variant remains unclear.

Labcorp Genetics (formerly Invitae), Labcorp
Classification: Uncertain significance. Last evaluated: 2024-03-13. Review status: criteria provided, single submitter. Criteria: Invitae Variant Classification Sherloc (09022015). Collection method: clinical testing. Allele origin: germline.
Comment: This sequence change replaces lysine, which is basic and polar, with asparagine, which is neutral and polar, at codon 940 of the ANKRD26 protein (p.Lys940Asn). This variant is present in population databases (rs769660091, gnomAD 0.06%). This variant has not been reported in the literature in individuals affected with ANKRD26-related conditions. ClinVar contains an entry for this variant (Variation ID: 2662238). Algorithms developed to predict the effect of missense changes on protein structure and function output the following: SIFT: "Not Available"; PolyPhen-2: "Benign"; Align-GVGD: "Not Available". The asparagine amino acid residue is found in multiple mammalian species, which suggests that this missense change does not adversely affect protein function. In summary, the available evidence is currently insufficient to determine the role of this variant in disease. Therefore, it has been classified as a Variant of Uncertain Significance.

GeneDx
Classification: Uncertain significance. Last evaluated: 2023-05-08. Review status: criteria provided, single submitter. Criteria: GeneDx Variant Classification Process June 2021. Collection method: clinical testing. Allele origin: germline. Affected: yes.
Comment: In silico analysis supports that this missense variant does not alter protein structure/function; Has not been previously published as pathogenic or benign to our knowledge

Blueprint Genetics
Classification: Likely benign. Last evaluated: 2022-10-05. Review status: criteria provided, single submitter. Criteria: ACMG Guidelines, 2015. Collection method: clinical testing. Allele origin: germline.

NM_014915.3(ANKRD26):c.2820G>T (p.Lys940Asn)

Gene: ANKRD26 (ankyrin repeat domain 26; minus strand). Cytogenetic location: 10p12.1.
Variant type: single nucleotide variant.
Coding change: c.2820G>T on transcript NM_014915.3 (MANE Select); coding-DNA position 2820, G replaced by T.
Protein change: p.Lys940Asn; replaces lysine 940 with asparagine.
Molecular consequence: missense variant.
Genome position (GRCh38, 1-based): chr10:27,035,630, C>A on the plus strand (G>T on the coding strand, the complement: ANKRD26 is on the minus strand). VCF-style: chr10-27035630-C-A. GRCh37 (hg19) VCF-style: chr10-27324559-C-A.
Other names: c.2817G>T, p.Lys939Asn (NM_001256053.2); short protein forms K939N, K940N.
Identifiers: ClinVar variation 2662238 (VCV002662238.6), dbSNP rs769660091, ClinGen allele CA5448141.